The following is an entry in ClinVar:

NM_015214.3(DDHD2):c.411+6C>T

Gene: DDHD2 (DDHD domain containing 2; plus strand). Cytogenetic location: 8p11.23.
Variant type: single nucleotide variant.
Coding change: c.411+6C>T on transcript NM_015214.3 (MANE Select); 6 bases into the intron after coding-DNA position 411, C replaced by T.
Molecular consequence: intron variant.
Genome position (GRCh38, 1-based): chr8:38,234,590, C>T. VCF-style: chr8-38234590-C-T. GRCh37 (hg19) VCF-style: chr8-38092108-C-T.
Other names: c.411+6C>T (NM_001362914.2, NM_001362913.2, NM_001362912.2 and 3 more transcripts).
Identifiers: ClinVar variation 1344305 (VCV001344305.6), dbSNP rs562827417, ClinGen allele CA4715962.
Genomic context (GRCh38, chr8:38,234,590, plus strand): 5'-GGACAAAGACAATAAGTATGTTCCCTACTCGGAGAGCTTCAGCCAAGTTTTAGAGGTATT[C>T]TTTTGACTCTTTTTTTACTTATTCTTTCTTTCTCTTATTTAATAATCTTTTCTTTCCTTT-3'

ClinVar aggregate classification (germline): Uncertain significance. Review status: criteria provided, multiple submitters, no conflicts (2 of 4 stars). 2 submissions from 2 submitters: Uncertain significance (2). Last evaluated 2022-10-24.

Conditions:
Hereditary spastic paraplegia 54. Also called: Spastic paraplegia 54, autosomal recessive. Identifiers: Orphanet 320380, MedGen C3539495, MONDO:0014018, OMIM 615033.
Hereditary spastic paraplegia. Also called: Familial spastic paraparesis. Identifiers: Orphanet 685, MedGen C0037773, MONDO:0019064. Disease mechanism: loss of function.

Allele frequency attached by ClinVar (database versions not stated): ExAC 0.00014; gnomAD exomes 0.00016; gnomAD 0.00020 and 0.00021; TOPMed 0.00025.
gnomAD v4.1: 496 of 1,576,232 alleles (0.031%); highest among the groups gnomAD compares: Non-Finnish European, 0.04%; no homozygotes.

Submissions (2):

Labcorp Genetics (formerly Invitae), Labcorp
Classification: Uncertain significance for Hereditary spastic paraplegia 54. Last evaluated: 2022-10-24. Review status: criteria provided, single submitter. Criteria: Invitae Variant Classification Sherloc (09022015). Collection method: clinical testing. Allele origin: germline.
Comment: This sequence change falls in intron 3 of the DDHD2 gene. It does not directly change the encoded amino acid sequence of the DDHD2 protein. It affects a nucleotide within the consensus splice site. This variant is present in population databases (rs562827417, gnomAD 0.03%). This variant has not been reported in the literature in individuals affected with DDHD2-related conditions. ClinVar contains an entry for this variant (Variation ID: 1344305). Variants that disrupt the consensus splice site are a relatively common cause of aberrant splicing (PMID: 17576681, 9536098). Algorithms developed to predict the effect of sequence changes on RNA splicing suggest that this variant is not likely to affect RNA splicing. In summary, the available evidence is currently insufficient to determine the role of this variant in disease. Therefore, it has been classified as a Variant of Uncertain Significance.

Genome Diagnostics Laboratory, The Hospital for Sick Children
Classification: Uncertain significance for Hereditary spastic paraplegia. Last evaluated: 2020-07-01. Review status: criteria provided, single submitter. Criteria: ACMG Guidelines, 2015. Collection method: clinical testing. Allele origin: germline. Affected: yes.

Literature cited by the submitters: PubMed 17576681 (cited by Labcorp Genetics (formerly Invitae), Labcorp); PubMed 9536098 (cited by Labcorp Genetics (formerly Invitae), Labcorp).